The following is an entry in ClinVar:

NM_007118.4(TRIO):c.4724G>A (p.Ser1575Asn)

Gene: TRIO (trio Rho guanine nucleotide exchange factor; plus strand). Cytogenetic location: 5p15.2.
Variant type: single nucleotide variant.
Coding change: c.4724G>A on transcript NM_007118.4 (MANE Select); coding-DNA position 4724, G replaced by A.
Protein change: p.Ser1575Asn; replaces serine 1575 with asparagine.
Molecular consequence: missense variant. On other transcripts: non-coding transcript variant (1).
Genome position (GRCh38, 1-based): chr5:14,405,855, G>A. VCF-style: chr5-14405855-G-A. GRCh37 (hg19) VCF-style: chr5-14405964-G-A.
Other names: short protein forms S1575N.
Identifiers: ClinVar variation 4687546 (VCV004687546.2).
Genomic context (GRCh38, chr5:14,405,855, plus strand): 5'-AAGGTCTGGAAAGGGCCGTTCCGTATCCTAAGCAACGCTAACACCTTGTTAAGGCTTCCA[G>A]CATAGAGAACAAGCAGGACTGGATAAAGCATATCCGCGAAGTCATCCAGGAGCGGACGAT-3'
Protein context (NP_009049.2, residues 1565-1585): SDNKIVLKAS[Ser1575Asn]IENKQDWIKH

ClinVar aggregate classification (germline): Uncertain significance (1 of 4 stars; one submission).

Submission:

Women's Health and Genetics/Laboratory Corporation of America, LabCorp
Classification: Uncertain significance. Last evaluated: 2026-04-07. Review status: criteria provided, single submitter. Criteria: LabCorp Variant Classification Summary - May 2015. Collection method: clinical testing. Allele origin: germline.
Comment: Variant summary: TRIO c.4724G>A (p.Ser1575Asn) results in a conservative amino acid change in the encoded protein sequence. Algorithms developed to predict the effect of missense changes on protein structure and function are either unavailable or do not agree on the potential impact of this missense change. The variant allele was found at a frequency of 1.6e-05 in 251326 control chromosomes. The available data on variant occurrences in the general population are insufficient to allow any conclusion about variant significance. To our knowledge, no occurrence of c.4724G>A in individuals affected with TRIO-related conditions and no experimental evidence demonstrating its impact on protein function have been reported. No submitters have cited clinical-significance assessments for this variant to ClinVar. Based on the evidence outlined above, the variant was classified as uncertain significance.